The following is an entry in ClinVar:

ClinVar aggregate classification (germline): Benign. Review status: criteria provided, multiple submitters, no conflicts (2 of 4 stars). 3 submissions from 3 submitters: Benign (2). 1 of the submissions does not count toward it. Last evaluated 2019-12-31.

Conditions:
BIRC6-related disorder. Also called: BIRC6-related condition.

Allele frequency attached by ClinVar (database versions not stated): ExAC 0.00831; gnomAD exomes 0.00839 and 0.01227; ESP Exome Variant Server 0.01069; 1000 Genomes Project 30x 0.00468; 1000 Genomes Project 0.00459; TOPMed 0.00941.
gnomAD v4.1: 19,158 of 1,612,672 alleles (1.2%); highest among the groups gnomAD compares: Non-Finnish European, 1.4%; 149 homozygotes.

Submissions (3):

Labcorp Genetics (formerly Invitae), Labcorp
Classification: Benign. Last evaluated: 2019-12-31. Review status: criteria provided, single submitter. Criteria: Invitae Variant Classification Sherloc (09022015). Collection method: clinical testing. Allele origin: germline.

Breakthrough Genomics
Classification: Benign. Review status: criteria provided, single submitter. Criteria: ACMG Guidelines, 2015. Collection method: not provided. Allele origin: germline. Inheritance: Unknown mechanism. Affected: yes.

PreventionGenetics, part of Exact Sciences
Classification: Benign for BIRC6-related condition. Last evaluated: 2019-03-26. Review status: no assertion criteria provided. Collection method: clinical testing. Allele origin: germline. Not counted in ClinVar's aggregate classification.
Comment: This variant is classified as benign based on ACMG/AMP sequence variant interpretation guidelines (Richards et al. 2015 PMID: 25741868, with internal and published modifications).

NM_016252.4(BIRC6):c.13384G>A (p.Val4462Ile)

Gene: BIRC6 (baculoviral IAP repeat containing 6; plus strand). Cytogenetic location: 2p22.3.
Variant type: single nucleotide variant.
Coding change: c.13384G>A on transcript NM_016252.4 (MANE Select); coding-DNA position 13384, G replaced by A.
Protein change: p.Val4462Ile; replaces valine 4462 with isoleucine.
Molecular consequence: missense variant.
Genome position (GRCh38, 1-based): chr2:32,593,943, G>A. VCF-style: chr2-32593943-G-A. GRCh37 (hg19) VCF-style: chr2-32819010-G-A.
Other names: c.13381G>A, p.Val4461Ile (NM_001378125.1); short protein forms V4462I, V4461I.
Identifiers: ClinVar variation 783117 (VCV000783117.7), dbSNP rs61754241, ClinGen allele CA1605527.
Genomic context (GRCh38, chr2:32,593,943, plus strand): 5'-CTTGCTTTTCTTTCCATATTAAAAAAATTCAGATCTAAAAGGGAAAATGTTAAAACAGGA[G>A]TAAAACCAGATGCGTCTGATCAAGAACCAGAAGGACTTACTCTTTTGGTACCAGACATCC-3'
Protein context (NP_057336.3, residues 4452-4472): RSKRENVKTG[Val4462Ile]KPDASDQEPE